The following is an entry in ClinVar:

NM_001290043.2(TAP2):c.703C>T (p.Arg235Cys)

Genes: TAP2 (transporter 2, ATP binding cassette subfamily B member; minus strand), LOC107648851 (meiotic recombination hotspot TAP2; plus strand). Cytogenetic location: 6p21.32.
Variant type: single nucleotide variant.
Coding change: c.703C>T on transcript NM_001290043.2 (MANE Select); coding-DNA position 703, C replaced by T.
Protein change: p.Arg235Cys; replaces arginine 235 with cysteine.
Molecular consequence: missense variant.
Genome position (GRCh38, 1-based): chr6:32,835,679, G>A on the plus strand (C>T on the coding strand, the complement: TAP2 is on the minus strand). VCF-style: chr6-32835679-G-A. GRCh37 (hg19) VCF-style: chr6-32803456-G-A.
Other names: c.703C>T, p.Arg235Cys (NM_000544.3, NM_018833.3); short protein forms R235C.
Identifiers: ClinVar variation 566833 (VCV000566833.10), dbSNP rs145890763, ClinGen allele CA3746084.

ClinVar aggregate classification (germline): Uncertain significance. Review status: criteria provided, multiple submitters, no conflicts (2 of 4 stars). 2 submissions from 2 submitters: Uncertain significance (2). Last evaluated 2022-05-25.

Conditions:
MHC class I deficiency. Identifiers: Orphanet 34592, MedGen C6024714, MONDO:0011476.

Allele frequency attached by ClinVar (database versions not stated): 1000 Genomes Project 30x 0.00016; 1000 Genomes Project 0.00020; ESP Exome Variant Server 0.00012; gnomAD 0.00021 and 0.00023; TOPMed 0.00027; ExAC 0.00020; gnomAD exomes 0.00018.
gnomAD v4.1: 142 of 1,613,084 alleles (0.0088%); highest among the groups gnomAD compares: African/African-American, 0.067%; 1 homozygote.

Submissions (2):

Fulgent Genetics
Classification: Uncertain significance for MHC class I deficiency 1. Last evaluated: 2022-05-25. Review status: criteria provided, single submitter. Criteria: ACMG Guidelines, 2015. Collection method: clinical testing. Allele origin: unknown.

Labcorp Genetics (formerly Invitae), Labcorp
Classification: Uncertain significance for MHC class I deficiency 1. Last evaluated: 2022-05-24. Review status: criteria provided, single submitter. Criteria: Invitae Variant Classification Sherloc (09022015). Collection method: clinical testing. Allele origin: germline.
Comment: This sequence change replaces arginine, which is basic and polar, with cysteine, which is neutral and slightly polar, at codon 235 of the TAP2 protein (p.Arg235Cys). This variant is present in population databases (rs145890763, gnomAD 0.08%). This variant has not been reported in the literature in individuals affected with TAP2-related conditions. ClinVar contains an entry for this variant (Variation ID: 566833). Algorithms developed to predict the effect of missense changes on protein structure and function output the following: SIFT: "Tolerated"; PolyPhen-2: "Not Available"; Align-GVGD: "Class C0". The cysteine amino acid residue is found in multiple mammalian species, which suggests that this missense change does not adversely affect protein function. In summary, the available evidence is currently insufficient to determine the role of this variant in disease. Therefore, it has been classified as a Variant of Uncertain Significance.